The following is an entry in ClinVar:

NM_138694.4(PKHD1):c.812T>A (p.Leu271His)

Gene: PKHD1 (PKHD1 ciliary IPT domain containing fibrocystin/polyductin; minus strand). Cytogenetic location: 6p12.2.
Variant type: single nucleotide variant.
Coding change: c.812T>A on transcript NM_138694.4 (MANE Select); coding-DNA position 812, T replaced by A.
Protein change: p.Leu271His; replaces leucine 271 with histidine.
Molecular consequence: missense variant.
Genome position (GRCh38, 1-based): chr6:52,066,044, A>T on the plus strand (T>A on the coding strand, the complement: PKHD1 is on the minus strand). VCF-style: chr6-52066044-A-T. GRCh37 (hg19) VCF-style: chr6-51930842-A-T.
Other names: c.812T>A, p.Leu271His (NM_170724.3); short protein forms L271H.
Identifiers: ClinVar variation 598438 (VCV000598438.21), dbSNP rs750887164, ClinGen allele CA3853749.

ClinVar aggregate classification (germline): Likely benign. Review status: criteria provided, multiple submitters, no conflicts (2 of 4 stars). 4 submissions from 4 submitters: Likely benign (2). 2 of the submissions do not count toward it. Last evaluated 2025-11-26.

Conditions:
PKHD1-related disorder. Also called: PKHD1-related condition.
Autosomal recessive polycystic kidney disease (ARPKD). Also called: AR polycystic kidney disease. Identifiers: Orphanet 731, Orphanet 8378, MedGen C0085548, MeSH D017044, MONDO:0009889.

Allele frequency attached by ClinVar (database versions not stated): gnomAD 0.00014 and 0.00015; TOPMed 0.00021; ExAC 0.00043.
gnomAD v4.1: 104 of 1,599,674 alleles (0.0065%); highest among the groups gnomAD compares: East Asian, 0.23%; 2 homozygotes.

Submissions (4):

Labcorp Genetics (formerly Invitae), Labcorp
Classification: Likely benign for Autosomal recessive polycystic kidney disease. Last evaluated: 2025-11-26. Review status: criteria provided, single submitter. Criteria: Invitae Variant Classification Sherloc (09022015). Collection method: clinical testing. Allele origin: germline.

Eurofins Ntd Llc (ga)
Classification: Likely benign. Last evaluated: 2018-08-20. Review status: criteria provided, single submitter. Criteria: EGL ClinVar v180209 classification definitions. Collection method: clinical testing. Allele origin: germline. Observed: 1 variant allele, 1 heterozygote.

PreventionGenetics, part of Exact Sciences
Classification: Likely benign for PKHD1-related condition. Last evaluated: 2022-03-15. Review status: no assertion criteria provided. Collection method: clinical testing. Allele origin: germline. Not counted in ClinVar's aggregate classification.
Comment: This variant is classified as likely benign based on ACMG/AMP sequence variant interpretation guidelines (Richards et al. 2015 PMID: 25741868, with internal and published modifications).

Natera, Inc.
Classification: Benign for Autosomal recessive polycystic kidney disease. Last evaluated: 2020-05-11. Review status: no assertion criteria provided. Collection method: clinical testing. Allele origin: germline. Not counted in ClinVar's aggregate classification.